The following is an entry in ClinVar:

NM_024596.5(MCPH1):c.649T>A (p.Ser217Thr)

Gene: MCPH1 (microcephalin 1; plus strand). Cytogenetic location: 8p23.1.
Variant type: single nucleotide variant.
Coding change: c.649T>A on transcript NM_024596.5 (MANE Select); coding-DNA position 649, T replaced by A.
Protein change: p.Ser217Thr; replaces serine 217 with threonine.
Molecular consequence: missense variant. On other transcripts: non-coding transcript variant (1).
Genome position (GRCh38, 1-based): chr8:6,442,135, T>A. VCF-style: chr8-6442135-T-A. GRCh37 (hg19) VCF-style: chr8-6299656-T-A.
Other names: c.649T>A, p.Ser217Thr (NM_001172574.2, NM_001322042.2, NM_001363979.1 and 3 more transcripts); c.505T>A, p.Ser169Thr (NM_001172575.2); c.643T>A, p.Ser215Thr (NM_001322043.2); c.547T>A, p.Ser183Thr (NM_001322045.2); short protein forms S169T, S215T, S183T, S217T.
Identifiers: ClinVar variation 2206716 (VCV002206716.2), dbSNP rs373199125, ClinGen allele CA4610330.

ClinVar aggregate classification (germline): Uncertain significance (1 of 4 stars; one submission).

Conditions:
Inborn genetic diseases. Identifiers: MedGen C0950123, MeSH D030342.

Allele frequency attached by ClinVar (database versions not stated): gnomAD 0.00012; ESP Exome Variant Server 0.00025.
gnomAD v4.1: 39 of 1,610,636 alleles (0.0024%); highest among the groups gnomAD compares: African/African-American, 0.045%; 1 homozygote.

Submission:

Ambry Genetics
Classification: Uncertain significance for Inborn genetic diseases. Last evaluated: 2022-06-08. Review status: criteria provided, single submitter. Criteria: Ambry Variant Classification Scheme 2023. Collection method: clinical testing. Allele origin: germline.
Comment: The c.649T>A (p.S217T) alteration is located in exon 7 (coding exon 7) of the MCPH1 gene. This alteration results from a T to A substitution at nucleotide position 649, causing the serine (S) at amino acid position 217 to be replaced by a threonine (T). The p.S217T alteration is predicted to be tolerated by in silico analysis. Based on insufficient or conflicting evidence, the clinical significance of this alteration remains unclear.